The following is an entry in ClinVar:

NM_000834.5(GRIN2B):c.382G>A (p.Gly128Arg)

Gene: GRIN2B (glutamate ionotropic receptor NMDA type subunit 2B; minus strand). Cytogenetic location: 12p13.1.
Variant type: single nucleotide variant.
Coding change: c.382G>A on transcript NM_000834.5 (MANE Select); coding-DNA position 382, G replaced by A.
Protein change: p.Gly128Arg; replaces glycine 128 with arginine.
Molecular consequence: missense variant.
Genome position (GRCh38, 1-based): chr12:13,865,827, C>T on the plus strand (G>A on the coding strand, the complement: GRIN2B is on the minus strand). VCF-style: chr12-13865827-C-T. GRCh37 (hg19) VCF-style: chr12-14018761-C-T.
Other names: c.382G>A, p.Gly128Arg (NM_001413992.1, NM_001413993.1, NM_001413994.1 and 1 more transcripts); short protein forms G128R.
Identifiers: ClinVar variation 4783406 (VCV004783406.1).

ClinVar aggregate classification (germline): Uncertain significance (1 of 4 stars; one submission).

Conditions:
Developmental and epileptic encephalopathy, 27 (DEE27). Also called: Epileptic encephalopathy, early infantile, 27; GRIN2B-Related Neurodevelopmental Disorder. Identifiers: Orphanet 3451, MedGen C4015316, MONDO:0014505, OMIM 616139.
Intellectual developmental disorder, autosomal dominant 6, with or without seizures. Also called: Intellectual disability, autosomal dominant 6; GRIN2B-related developmental delay, intellectual disability and autism spectrum disorder. Identifiers: Orphanet 589547, MedGen C3151411, MONDO:0013509, OMIM 613970.

Submission:

Labcorp Genetics (formerly Invitae), Labcorp
Classification: Uncertain significance for Developmental and epileptic encephalopathy, 27; Intellectual developmental disorder, autosomal dominant 6, with or without seizures. Last evaluated: 2025-11-24. Review status: criteria provided, single submitter. Criteria: Invitae Variant Classification Sherloc (09022015). Collection method: clinical testing. Allele origin: germline.
Comment: This sequence change replaces glycine, which is neutral and non-polar, with arginine, which is basic and polar, at codon 128 of the GRIN2B protein (p.Gly128Arg). This variant is not present in population databases (gnomAD no frequency). This variant has not been reported in the literature in individuals affected with GRIN2B-related conditions. Invitae Evidence Modeling of protein sequence and biophysical properties (such as structural, functional, and spatial information, amino acid conservation, physicochemical variation, residue mobility, and thermodynamic stability) indicates that this missense variant is expected to disrupt GRIN2B protein function with a positive predictive value of 95%. In summary, the available evidence is currently insufficient to determine the role of this variant in disease. Therefore, it has been classified as a Variant of Uncertain Significance.